The following is an entry in ClinVar:

ClinVar aggregate classification (germline): Conflicting classifications of pathogenicity. Review status: criteria provided, conflicting classifications (1 of 4 stars). 2 submissions from 2 submitters: Likely pathogenic (1); Uncertain significance (1). Last evaluated 2017-09-11.

Conditions:
Vitelliform macular dystrophy 2. Also called: MACULAR DEGENERATION, POLYMORPHIC VITELLINE; Best vitelliform macular dystrophy, multifocal; Best Macular Dystrophy; Best Vitelliform Macular Dystrophy (BVMD); VITELLIFORM MACULAR DYSTROPHY, EARLY-ONSET; VITELLIFORM MACULAR DYSTROPHY, JUVENILE-ONSET. Identifiers: Orphanet 1243, MedGen C2745945, MONDO:0007931, OMIM 153700.
Retinal dystrophy. Also called: Inherited retinal dystrophy. Identifiers: Orphanet 71862, MedGen C0854723, MeSH D058499, MONDO:0019118, HP:0000556.

Submissions (2):

MAGI'S LAB - Medical Genetics Laboratory, MAGI GROUP
Classification: Likely pathogenic for Vitelliform macular dystrophy 2. Last evaluated: 2017-09-11. Review status: criteria provided, single submitter. Criteria: ACMG Guidelines, 2015. Collection method: clinical testing. Allele origin: unknown. Inheritance: Autosomal dominant inheritance. Affected: yes. Observed: 1 variant allele, 1 heterozygote.
Comment: Assessment via ACMG Guidelines: PM1 Located in a mutational hot spot and/or critical and well-established functional domain (e.g., active site of an enzyme) without benign variation PM2 Absent from controls (or at extremely low frequency if recessive) (table 6) in Exome Sequencing Project, 1000 Genomes Project, or Exome Aggregation Consortium PP2 Missense variant in a gene that has a low rate of benign missense variation and in which missense variants are a common mechanism of disease PP4 Patientâ€™s phenotype or family history is highly specific for a disease with a single genetic etiology Likely pathogenic 2 Moderate (PM1-PM6) AND >=2 supporting (PP1-PP5)

Institute of Human Genetics, Univ. Regensburg, Univ. Regensburg
Classification: Uncertain significance for Retinal dystrophy. Last evaluated: 2010-01-01. Review status: criteria provided, single submitter. Criteria: ACMG Guidelines, 2015. Collection method: clinical testing. Allele origin: germline. Affected: yes.

Literature cited by the submitters: PubMed 31570112 (cited by Institute of Human Genetics, Univ. Regensburg, Univ. Regensburg).

NM_004183.4(BEST1):c.535A>G (p.Asn179Asp)

Gene: BEST1 (bestrophin 1; plus strand). Cytogenetic location: 11q12.3.
Variant type: single nucleotide variant.
Coding change: c.535A>G on transcript NM_004183.4 (MANE Select); coding-DNA position 535, A replaced by G.
Protein change: p.Asn179Asp; replaces asparagine 179 with aspartic acid.
Molecular consequence: missense variant. On other transcripts: non-coding transcript variant (1).
Genome position (GRCh38, 1-based): chr11:61,956,897, A>G. VCF-style: chr11-61956897-A-G. GRCh37 (hg19) VCF-style: chr11-61724369-A-G.
Other names: c.355A>G, p.Asn119Asp (NM_001139443.3, NM_001300786.2, NM_001300787.2); c.217A>G, p.Asn73Asp (NM_001363591.3); c.535A>G, p.Asn179Asp (NM_001363592.2); c.-641A>G (NM_001363593.3); short protein forms N179D, N73D, N119D.
Identifiers: ClinVar variation 438484 (VCV000438484.3), dbSNP rs1555099968, ClinGen allele CA380837261.